The following is an entry in ClinVar:

NM_001372044.2(SHANK3):c.1084C>T (p.Leu362=)

Gene: SHANK3 (SH3 and multiple ankyrin repeat domains 3; plus strand). Cytogenetic location: 22q13.33.
Variant type: single nucleotide variant.
Coding change: c.1084C>T on transcript NM_001372044.2 (MANE Select); coding-DNA position 1084, C replaced by T.
Protein change: p.Leu362=; no amino-acid change (leucine 362 retained).
Molecular consequence: synonymous variant.
Genome position (GRCh38, 1-based): chr22:50,679,402, C>T. VCF-style: chr22-50679402-C-T. GRCh37 (hg19) VCF-style: chr22-51117830-C-T.
Other names: c.859C>T, p.Leu287= (NM_033517.1).
Identifiers: ClinVar variation 2681543 (VCV002681543.2), dbSNP rs199499215.
Genomic context (GRCh38, chr22:50,679,402, plus strand): 5'-GAGCACCTGCTGTTCTATGGGGCAGACATGGGGGCCCAGAACGCCTCGGGGAACACAGCC[C>T]TGCACATCTGTGCCCTCTACAACCAGGTGCGACTGTGTGTCCTGCACATGCCTGCACCAG-3'
Protein context (NP_001358973.1, residues 352-372): GAQNASGNTA[Leu362=]HICALYNQES

ClinVar aggregate classification (germline): Likely benign. Review status: criteria provided, single submitter (1 of 4 stars). 2 submissions from 2 submitters: Likely benign (1). 1 of the submissions does not count toward it. Last evaluated 2024-12-23.

Conditions:
EBV-positive nodal T- and NK-cell lymphoma.
SHANK3-related disorder. Also called: SHANK3-related condition.

Allele frequency attached by ClinVar (database versions not stated): gnomAD exomes below 0.00001; TOPMed below 0.00001.

Submissions (2):

PreventionGenetics, part of Exact Sciences
Classification: Likely benign for SHANK3-related condition. Last evaluated: 2024-12-23. Review status: criteria provided, single submitter. Criteria: ACMG Guidelines, 2015. Collection method: clinical testing. Allele origin: germline.
Comment: This variant is classified as likely benign based on ACMG/AMP sequence variant interpretation guidelines (Richards et al. 2015 PMID: 25741868, with internal and published modifications).

Department of Clinical Pathology, School of Medicine, Fujita Health University
Classification: Likely benign for EBV-positive nodal T- and NK-cell lymphoma. Review status: no assertion criteria provided. Collection method: research. Allele origin: unknown. Affected: yes. Not counted in ClinVar's aggregate classification.